The following is an entry in ClinVar:

ClinVar aggregate classification (germline): Uncertain significance (1 of 4 stars; one submission).

Conditions:
Developmental and epileptic encephalopathy 94 (DEE94). Also called: Epileptic encephalopathy, childhood-onset; CHD2-Related Neurodevelopmental Disorders. Identifiers: Orphanet 1942, Orphanet 2382, MedGen C3809278, MONDO:0014150, OMIM 615369.

Submission:

Labcorp Genetics (formerly Invitae), Labcorp
Classification: Uncertain significance for Developmental and epileptic encephalopathy 94. Last evaluated: 2024-11-21. Review status: criteria provided, single submitter. Criteria: Invitae Variant Classification Sherloc (09022015). Collection method: clinical testing. Allele origin: germline.
Comment: This sequence change replaces glutamine, which is neutral and polar, with lysine, which is basic and polar, at codon 366 of the CHD2 protein (p.Gln366Lys). This variant is not present in population databases (gnomAD no frequency). This variant has not been reported in the literature in individuals affected with CHD2-related conditions. Invitae Evidence Modeling of protein sequence and biophysical properties (such as structural, functional, and spatial information, amino acid conservation, physicochemical variation, residue mobility, and thermodynamic stability) indicates that this missense variant is not expected to disrupt CHD2 protein function with a negative predictive value of 95%. In summary, the available evidence is currently insufficient to determine the role of this variant in disease. Therefore, it has been classified as a Variant of Uncertain Significance.

NM_001271.4(CHD2):c.1096C>A (p.Gln366Lys)

Gene: CHD2 (chromodomain helicase DNA binding protein 2; plus strand). Cytogenetic location: 15q26.1.
Variant type: single nucleotide variant.
Coding change: c.1096C>A on transcript NM_001271.4 (MANE Select); coding-DNA position 1096, C replaced by A.
Protein change: p.Gln366Lys; replaces glutamine 366 with lysine.
Molecular consequence: missense variant.
Genome position (GRCh38, 1-based): chr15:92,944,458, C>A. VCF-style: chr15-92944458-C-A. GRCh37 (hg19) VCF-style: chr15-93487688-C-A.
Other names: c.1096C>A, p.Gln366Lys (NM_001042572.3); short protein forms Q366K.
Identifiers: ClinVar variation 3636669 (VCV003636669.2).
Genomic context (GRCh38, chr15:92,944,458, plus strand): 5'-GTCTGTCTGCCATTCAGGTTAGGGAAAGTTTCTCCTGAAGATGTAGAATATTTCAATTGC[C>A]AACAGGAGCTGGCTTCAGAGTTGAATAAACAGTATCAGATAGTAGAAAGAGTAATAGGTA-3'
Protein context (NP_001262.3, residues 356-376): SPEDVEYFNC[Gln366Lys]QELASELNKQ